The following is an entry in ClinVar:

ClinVar aggregate classification (germline): Uncertain significance. Review status: criteria provided, multiple submitters, no conflicts (2 of 4 stars). 4 submissions from 4 submitters: Uncertain significance (2). 2 of the submissions do not count toward it. Last evaluated 2024-12-09.

Conditions:
VPS13B-related disorder. Also called: VPS13B-related condition.
Cohen syndrome (COH1). Also called: Cutis verticis gyrata, retinitis pigmentosa, and sensorineural deafness; PEPPER SYNDROME. Identifiers: Orphanet 193, MedGen C0265223, MONDO:0008999, OMIM 216550.
Early onset severe obesity. Identifiers: MedGen C4013980.

Allele frequency attached by ClinVar (database versions not stated): ExAC 0.00002; TOPMed 0.00004; gnomAD 0.00005.
gnomAD v4.1: 11 of 1,614,100 alleles (0.00068%); highest among the groups gnomAD compares: African/African-American, 0.015%; no homozygotes.

Submissions (4):

Cambridge Genomics Laboratory, East Genomic Laboratory Hub, NHS Genomic Medicine Service
Classification: Uncertain significance for Severe early-onset obesity. Last evaluated: 2024-12-09. Review status: criteria provided, single submitter. Criteria: ACGS Best Practice Guidelines for Variant Classification in Rare Disease 2020. Collection method: clinical testing. Allele origin: germline. Affected: yes.
Comment: PM2

Labcorp Genetics (formerly Invitae), Labcorp
Classification: Uncertain significance for Cohen syndrome. Last evaluated: 2023-11-06. Review status: criteria provided, single submitter. Criteria: Invitae Variant Classification Sherloc (09022015). Collection method: clinical testing. Allele origin: germline.
Comment: This sequence change replaces glutamine, which is neutral and polar, with arginine, which is basic and polar, at codon 3772 of the VPS13B protein (p.Gln3772Arg). This variant is present in population databases (rs779751988, gnomAD 0.02%). This variant has not been reported in the literature in individuals affected with VPS13B-related conditions. ClinVar contains an entry for this variant (Variation ID: 1023424). Advanced modeling of protein sequence and biophysical properties (such as structural, functional, and spatial information, amino acid conservation, physicochemical variation, residue mobility, and thermodynamic stability) performed at Invitae indicates that this missense variant is expected to disrupt VPS13B protein function with a positive predictive value of 80%. In summary, the available evidence is currently insufficient to determine the role of this variant in disease. Therefore, it has been classified as a Variant of Uncertain Significance.

PreventionGenetics, part of Exact Sciences
Classification: Uncertain significance for VPS13B-related condition. Last evaluated: 2024-07-12. Review status: no assertion criteria provided. Collection method: clinical testing. Allele origin: germline. Not counted in ClinVar's aggregate classification.
Comment: The VPS13B c.11240A>G variant is predicted to result in the amino acid substitution p.Gln3747Arg. To our knowledge, this variant has not been reported in the literature. This variant is reported in 0.016% of alleles in individuals of African descent in gnomAD. At this time, the clinical significance of this variant is uncertain due to the absence of conclusive functional and genetic evidence.

Natera, Inc.
Classification: Uncertain significance for Cohen syndrome. Last evaluated: 2019-10-29. Review status: no assertion criteria provided. Collection method: clinical testing. Allele origin: germline. Not counted in ClinVar's aggregate classification.

NM_152564.5(VPS13B):c.11240A>G (p.Gln3747Arg)

Gene: VPS13B (vacuolar protein sorting 13 homolog B; plus strand). Cytogenetic location: 8q22.2.
Variant type: single nucleotide variant.
Coding change: c.11240A>G on transcript NM_152564.5 (MANE Select); coding-DNA position 11240, A replaced by G.
Protein change: p.Gln3747Arg; replaces glutamine 3747 with arginine.
Molecular consequence: missense variant.
Genome position (GRCh38, 1-based): chr8:99,868,313, A>G. VCF-style: chr8-99868313-A-G. GRCh37 (hg19) VCF-style: chr8-100880541-A-G.
Other names: c.11315A>G, p.Gln3772Arg (NM_017890.5); c.11240A>G (NM_152564.4); short protein forms Q3747R, Q3772R.
Identifiers: ClinVar variation 1023424 (VCV001023424.10), dbSNP rs779751988, ClinGen allele CA4825192.
Genomic context (GRCh38, chr8:99,868,313, plus strand): 5'-AGCCTCTGTCCTTACTGAGGGCTTTTGTTATTCCAGGTGCAATTGCTGGTATAGTTGATC[A>G]GCCGATGCAGAACTTCCAGAAAACATCTGAGGCACAGGCTTCAGCAGGACACAAGGCCAA-3'
Protein context (NP_689777.3, residues 3737-3757): LLGAIAGIVD[Gln3747Arg]PMQNFQKTSE